The following is an entry in ClinVar:

NM_014633.5(CTR9):c.3241T>C (p.Ser1081Pro)

Gene: CTR9 (CTR9 component of Paf1/RNA polymerase II complex; plus strand). Cytogenetic location: 11p15.4.
Variant type: single nucleotide variant.
Coding change: c.3241T>C on transcript NM_014633.5 (MANE Select); coding-DNA position 3241, T replaced by C.
Protein change: p.Ser1081Pro; replaces serine 1081 with proline.
Molecular consequence: missense variant.
Genome position (GRCh38, 1-based): chr11:10,778,824, T>C. VCF-style: chr11-10778824-T-C. GRCh37 (hg19) VCF-style: chr11-10800371-T-C.
Other names: c.3169T>C, p.Ser1057Pro (NM_001346279.2); short protein forms S1081P, S1057P.
Identifiers: ClinVar variation 5009053 (VCV005009053.1).

ClinVar aggregate classification (germline): Uncertain significance (1 of 4 stars; one submission).

Submission:

GeneDx
Classification: Uncertain significance. Last evaluated: 2026-03-12. Review status: criteria provided, single submitter. Criteria: GeneDx Variant Classification Process June 2021. Collection method: clinical testing. Allele origin: germline.
Comment: Not observed at significant frequency in large population cohorts (gnomAD); In silico analysis supports that this missense variant has a deleterious effect on protein structure/function; Has not been previously published as pathogenic or benign to our knowledge